The following is an entry in ClinVar:

ClinVar aggregate classification (germline): Conflicting classifications of pathogenicity. Review status: criteria provided, conflicting classifications (1 of 4 stars). 3 submissions from 3 submitters: Likely pathogenic (1); Uncertain significance (2). Last evaluated 2026-06-17.

Conditions:
Hereditary cancer-predisposing syndrome. Also called: Tumor predisposition; Hereditary neoplastic syndrome; Neoplastic Syndromes, Hereditary; Hereditary Cancer Syndrome. Identifiers: Orphanet 140162, MedGen C0027672, MeSH D009386, MONDO:0015356.
Tuberous sclerosis 2 (TSC2). Identifiers: Orphanet 805, MedGen C1860707, MONDO:0013199, OMIM 613254.

Submissions (3):

Ambry Genetics
Classification: Uncertain significance for Hereditary cancer-predisposing syndrome. Last evaluated: 2026-06-17. Review status: criteria provided, single submitter. Criteria: Ambry Variant Classification Scheme 2023. Collection method: clinical testing. Allele origin: germline.
Comment: The p.P754L variant (also known as c.2261C>T), located in coding exon 20 of the TSC2 gene, results from a C to T substitution at nucleotide position 2261. The proline at codon 754 is replaced by leucine, an amino acid with similar properties. This amino acid position is highly conserved in available vertebrate species. In addition, this alteration is predicted to be deleterious by in silico analysis. Based on the available evidence, the clinical significance of this variant remains unclear.

GeneDx
Classification: Uncertain significance. Last evaluated: 2023-12-14. Review status: criteria provided, single submitter. Criteria: GeneDx Variant Classification Process June 2021. Collection method: clinical testing. Allele origin: germline. Affected: yes.
Comment: Observed once in the mosaic state in a cohort of individuals with a clinical diagnosis or suspected tuberous sclerosis complex; however, the patient's phenotype and family history were not specified (PMID: 36232477); Not observed at significant frequency in large population cohorts (gnomAD); In silico analysis supports that this missense variant has a deleterious effect on protein structure/function; This variant is associated with the following publications: (PMID: 36232477)

Division of Genomic Medicine, Department of Advanced Medicine, Medical Research Institute, Kanazawa Medical University
Classification: Likely pathogenic for Tuberous sclerosis 2. Last evaluated: 2022-07-19. Review status: criteria provided, single submitter. Criteria: ACMG Guidelines, 2015. Collection method: clinical testing. Allele origin: germline. Affected: yes. Observed: 1 variant allele.
Comment: According to ACMG GL 2015, this variant located in Hamartin binding domain (PM1), absent from controls (PM2), assumed de novo (PM6), multiple lines of computational evidence support a deleterious effect (PP3).

Literature cited by the submitters: PubMed 36232477 (cited by Ambry Genetics).

NM_000548.5(TSC2):c.2261C>T (p.Pro754Leu)

Gene: TSC2 (TSC complex subunit 2; plus strand). Cytogenetic location: 16p13.3.
Variant type: single nucleotide variant.
Coding change: c.2261C>T on transcript NM_000548.5 (MANE Select); coding-DNA position 2261, C replaced by T.
Protein change: p.Pro754Leu; replaces proline 754 with leucine.
Molecular consequence: missense variant.
Genome position (GRCh38, 1-based): chr16:2,072,889, C>T. VCF-style: chr16-2072889-C-T. GRCh37 (hg19) VCF-style: chr16-2122890-C-T.
Other names: c.2261C>T, p.Pro754Leu (NM_001077183.3, NM_001114382.3, NM_001363528.2 and 3 more transcripts); c.2150C>T, p.Pro717Leu (NM_001318827.2); c.2114C>T, p.Pro705Leu (NM_001318829.2); c.1661C>T, p.Pro554Leu (NM_001318831.2); c.2294C>T, p.Pro765Leu (NM_001318832.2); c.2261C>T (NM_000548.3); short protein forms P554L, P705L, P717L, P754L, P765L.
Identifiers: ClinVar variation 1700568 (VCV001700568.3), dbSNP rs2088690950, ClinGen allele CA394276412.